The following is an entry in ClinVar:

NM_000090.4(COL3A1):c.1028T>C (p.Phe343Ser)

Gene: COL3A1 (collagen type III alpha 1 chain; plus strand). Cytogenetic location: 2q32.2.
Variant type: single nucleotide variant.
Coding change: c.1028T>C on transcript NM_000090.4 (MANE Select); coding-DNA position 1028, T replaced by C.
Protein change: p.Phe343Ser; replaces phenylalanine 343 with serine.
Molecular consequence: missense variant.
Genome position (GRCh38, 1-based): chr2:188,992,918, T>C. VCF-style: chr2-188992918-T-C. GRCh37 (hg19) VCF-style: chr2-189857644-T-C.
Other names: p.F343S:TTC>TCC; short protein forms F343S.
Identifiers: ClinVar variation 199716 (VCV000199716.2), dbSNP rs794728041, ClinGen allele CA004031.

ClinVar aggregate classification (germline): Uncertain significance (1 of 4 stars; one submission).

Submission:

GeneDx
Classification: Uncertain significance. Last evaluated: 2012-10-30. Review status: criteria provided, single submitter. Criteria: GeneDx Variant Classification (06012015). Collection method: clinical testing. Allele origin: germline. Affected: yes.
Comment: p.Phe343Ser (TTC>TCC): c.1028 T>C in exon 15 of the COL3A1 gene (NM_000090.3) The Phe343Ser variant in the COL3A1 gene has not been reported as a disease-causing mutation or as a benign polymorphism to our knowledge. Phe343Ser results in a non-conservative amino acid substitution of at a position that is conserved across species. Mutations in nearby codons (Gly321Val, Gly324Ser, Gly327Asp) have been reported in association with Ehlers Danlos type IV, supporting the functional importance of this region of the protein. The NHLBI ESP Exome Variant Server reports Phe343Ser was not observed in approximately 6,000 samples from individuals of European and African American backgrounds, indicating it is not a common benign variant in these populations. With the clinical and molecular information available at this time, we cannot definitively determine if Phe343Ser is a disease-causing mutation or a rare benign variant. The variant is found in TAAD panel(s).